The following is an entry in ClinVar:

NM_004304.5(ALK):c.2416C>A (p.Arg806Ser)

Gene: ALK (ALK receptor tyrosine kinase; minus strand). Cytogenetic location: 2p23.2.
Variant type: single nucleotide variant.
Coding change: c.2416C>A on transcript NM_004304.5 (MANE Select); coding-DNA position 2416, C replaced by A.
Protein change: p.Arg806Ser; replaces arginine 806 with serine.
Molecular consequence: missense variant.
Genome position (GRCh38, 1-based): chr2:29,233,636, G>T on the plus strand (C>A on the coding strand, the complement: ALK is on the minus strand). VCF-style: chr2-29233636-G-T. GRCh37 (hg19) VCF-style: chr2-29456502-G-T.
Other names: c.2416C>A (NM_004304.4); short protein forms R806S.
Identifiers: ClinVar variation 1351311 (VCV001351311.9), dbSNP rs80227749, ClinGen allele CA346472320.

ClinVar aggregate classification (germline): Uncertain significance. Review status: criteria provided, multiple submitters, no conflicts (2 of 4 stars). 2 submissions from 2 submitters: Uncertain significance (2). Last evaluated 2024-12-11.

Conditions:
Neuroblastoma, susceptibility to, 3. Also called: ALK-Related Neuroblastic Tumor Susceptibility. Identifiers: Orphanet 635, MedGen C2751681, MONDO:0013083, OMIM 613014.
Hereditary cancer-predisposing syndrome. Also called: Hereditary Cancer Syndrome; Neoplastic Syndromes, Hereditary; Tumor predisposition; Hereditary neoplastic syndrome. Identifiers: Orphanet 140162, MedGen C0027672, MeSH D009386, MONDO:0015356.

gnomAD v4.1: 1 of 1,614,172 alleles (0.000062%); highest among the groups gnomAD compares: Non-Finnish European, 0.000085%; no homozygotes.

Submissions (2):

Ambry Genetics
Classification: Uncertain significance for Hereditary cancer-predisposing syndrome. Last evaluated: 2024-12-11. Review status: criteria provided, single submitter. Criteria: Ambry Variant Classification Scheme 2023. Collection method: clinical testing. Allele origin: germline.
Comment: The p.R806S variant (also known as c.2416C>A), located in coding exon 14 of the ALK gene, results from a C to A substitution at nucleotide position 2416. The arginine at codon 806 is replaced by serine, an amino acid with dissimilar properties. This amino acid position is highly conserved in available vertebrate species. In addition, this alteration is predicted to be tolerated by in silico analysis. Based on the available evidence, the clinical significance of this variant remains unclear.

Labcorp Genetics (formerly Invitae), Labcorp
Classification: Uncertain significance for Neuroblastoma, susceptibility to, 3. Last evaluated: 2021-05-04. Review status: criteria provided, single submitter. Criteria: Invitae Variant Classification Sherloc (09022015). Collection method: clinical testing. Allele origin: germline.
Comment: Algorithms developed to predict the effect of missense changes on protein structure and function are either unavailable or do not agree on the potential impact of this missense change (SIFT: "Deleterious"; PolyPhen-2: "Possibly Damaging"; Align-GVGD: "Class C15"). In summary, the available evidence is currently insufficient to determine the role of this variant in disease. Therefore, it has been classified as a Variant of Uncertain Significance. This sequence change replaces arginine with serine at codon 806 of the ALK protein (p.Arg806Ser). The arginine residue is highly conserved and there is a moderate physicochemical difference between arginine and serine. This variant is not present in population databases (ExAC no frequency). This variant has not been reported in the literature in individuals with ALK-related conditions.